The following is an entry in ClinVar:

NM_032575.3(GLIS2):c.1480G>A (p.Val494Ile)

Gene: GLIS2 (GLIS family zinc finger 2; plus strand). Cytogenetic location: 16p13.3.
Variant type: single nucleotide variant.
Coding change: c.1480G>A on transcript NM_032575.3 (MANE Select); coding-DNA position 1480, G replaced by A.
Protein change: p.Val494Ile; replaces valine 494 with isoleucine.
Molecular consequence: missense variant.
Genome position (GRCh38, 1-based): chr16:4,337,429, G>A. VCF-style: chr16-4337429-G-A. GRCh37 (hg19) VCF-style: chr16-4387430-G-A.
Other names: c.1480G>A, p.Val494Ile (NM_001318918.2); short protein forms V494I.
Identifiers: ClinVar variation 2084214 (VCV002084214.4), dbSNP rs780851672, ClinGen allele CA7873280.
Genomic context (GRCh38, chr16:4,337,429, plus strand): 5'-CGGCCAAGCCCCGATGGACTCCCCCTGCTGCCAGGCACCGTGCTGGACCTGTCCACGGGC[G>A]TCAACTCAGCTGCCAGCAGCCCAGAGGCGTTGGCCCCTGGCTGGGTGGTCATCCCGCCGG-3'
Protein context (NP_115964.2, residues 484-504): PGTVLDLSTG[Val494Ile]NSAASSPEAL

ClinVar aggregate classification (germline): Uncertain significance (1 of 4 stars; one submission).

Conditions:
Nephronophthisis. Also called: Juvenile Nephronophthisis. Identifiers: Orphanet 655, MedGen C0687120, MONDO:0019005, HP:0000090.

Allele frequency attached by ClinVar (database versions not stated): TOPMed 0.00002; ExAC 0.00006.
gnomAD v4.1: 81 of 1,583,710 alleles (0.0051%); highest among the groups gnomAD compares: Middle Eastern, 0.05%; no homozygotes.

Submission:

Labcorp Genetics (formerly Invitae), Labcorp
Classification: Uncertain significance for Nephronophthisis. Last evaluated: 2022-03-18. Review status: criteria provided, single submitter. Criteria: Invitae Variant Classification Sherloc (09022015). Collection method: clinical testing. Allele origin: germline.
Comment: The frequency data for this variant in the population databases is considered unreliable, as metrics indicate poor data quality at this position in the gnomAD database. This sequence change replaces valine, which is neutral and non-polar, with isoleucine, which is neutral and non-polar, at codon 494 of the GLIS2 protein (p.Val494Ile). This variant has not been reported in the literature in individuals affected with GLIS2-related conditions. Algorithms developed to predict the effect of missense changes on protein structure and function output the following: SIFT: "Deleterious"; PolyPhen-2: "Not Available"; Align-GVGD: "Class C0". The isoleucine amino acid residue is found in multiple mammalian species, which suggests that this missense change does not adversely affect protein function. In summary, the available evidence is currently insufficient to determine the role of this variant in disease. Therefore, it has been classified as a Variant of Uncertain Significance.